The following is an entry in ClinVar:

ClinVar aggregate classification (germline): Uncertain significance. Review status: criteria provided, multiple submitters, no conflicts (2 of 4 stars). 2 submissions from 2 submitters: Uncertain significance (2). Last evaluated 2025-07-06.

Conditions:
Intellectual disability. Also called: Intellectual functioning disability; intellectual disabilities; Intellectual developmental disorder. Identifiers: MedGen C3714756, MeSH D008607, MONDO:0001071, HP:0001249.

Submissions (2):

Labcorp Genetics (formerly Invitae), Labcorp
Classification: Uncertain significance. Last evaluated: 2025-07-06. Review status: criteria provided, single submitter. Criteria: Invitae Variant Classification Sherloc (09022015). Collection method: clinical testing. Allele origin: germline.
Comment: This sequence change replaces glutamine, which is neutral and polar, with arginine, which is basic and polar, at codon 1051 of the COL4A1 protein (p.Gln1051Arg). This variant is not present in population databases (gnomAD no frequency). This variant has not been reported in the literature in individuals affected with COL4A1-related conditions. ClinVar contains an entry for this variant (Variation ID: 2955382). Invitae Evidence Modeling of protein sequence and biophysical properties (such as structural, functional, and spatial information, amino acid conservation, physicochemical variation, residue mobility, and thermodynamic stability) indicates that this missense variant is not expected to disrupt COL4A1 protein function with a negative predictive value of 95%. In summary, the available evidence is currently insufficient to determine the role of this variant in disease. Therefore, it has been classified as a Variant of Uncertain Significance.

Cambridge Genomics Laboratory, East Genomic Laboratory Hub, NHS Genomic Medicine Service
Classification: Uncertain significance for Intellectual disability. Last evaluated: 2019-08-28. Review status: criteria provided, single submitter. Criteria: ACGS Best Practice Guidelines for Variant Classification in Rare Disease 2020. Collection method: clinical testing. Allele origin: germline. Affected: yes. Observed: 1 variant allele.

NM_001845.6(COL4A1):c.3152A>G (p.Gln1051Arg)

Gene: COL4A1 (collagen type IV alpha 1 chain; minus strand). Cytogenetic location: 13q34.
Variant type: single nucleotide variant.
Coding change: c.3152A>G on transcript NM_001845.6 (MANE Select); coding-DNA position 3152, A replaced by G.
Protein change: p.Gln1051Arg; replaces glutamine 1051 with arginine.
Molecular consequence: missense variant.
Genome position (GRCh38, 1-based): chr13:110,175,264, T>C on the plus strand (A>G on the coding strand, the complement: COL4A1 is on the minus strand). VCF-style: chr13-110175264-T-C. GRCh37 (hg19) VCF-style: chr13-110827611-T-C.
Other names: short protein forms Q1051R.
Identifiers: ClinVar variation 2955382 (VCV002955382.4), dbSNP rs2501773096, ClinGen allele CA388665498.